The following is an entry in ClinVar:

ClinVar aggregate classification (germline): Uncertain significance. Review status: criteria provided, multiple submitters, no conflicts (2 of 4 stars). 2 submissions from 2 submitters: Uncertain significance (2). Last evaluated 2026-09-03.

Conditions:
ALPK1-related disorder. Also called: ALPK1-related condition.

Submissions (2):

PreventionGenetics, part of Exact Sciences
Classification: Uncertain significance for ALPK1-related condition. Last evaluated: 2026-09-03. Review status: criteria provided, single submitter. Criteria: ACMG Guidelines, 2015. Collection method: clinical testing. Allele origin: germline.
Comment: The ALPK1 c.465delC variant is predicted to result in an in-frame deletion (Val156*). To our knowledge, this variant has not been reported in the literature. This variant is reported in 0.0026% of alleles in individuals of European (Non-Finnish) descent in gnomAD. Loss of function is not an established mechanism of ALPK1-related disease. At this time, the clinical significance of this variant is uncertain due to the absence of conclusive functional and genetic evidence.

Labcorp Genetics (formerly Invitae), Labcorp
Classification: Uncertain significance. Last evaluated: 2025-12-24. Review status: criteria provided, single submitter. Criteria: Invitae Variant Classification Sherloc (09022015). Collection method: clinical testing. Allele origin: germline.
Comment: This sequence change creates a premature translational stop signal (p.Val156*) in the ALPK1 gene. It is expected to result in an absent or disrupted protein product. However, the current clinical and genetic evidence is not sufficient to establish whether loss-of-function variants in ALPK1 cause disease. This variant is present in population databases (rs772484889, gnomAD 0.003%). This variant has not been reported in the literature in individuals affected with ALPK1-related conditions. ClinVar contains an entry for this variant (Variation ID: 2182389). In summary, the available evidence is currently insufficient to determine the role of this variant in disease. Therefore, it has been classified as a Variant of Uncertain Significance.

NM_025144.4(ALPK1):c.465del (p.Ser155_Val156insTer)

Gene: ALPK1 (alpha kinase 1; plus strand). Cytogenetic location: 4q25.
Variant type: Deletion.
Coding change: c.465del on transcript NM_025144.4 (MANE Select); coding-DNA position 465, one base deleted (C; older notation c.465delC).
Protein change: p.Ser155_Val156insTer.
Molecular consequence: frameshift variant.
Genome position (GRCh38, 1-based): chr4:112,412,015, C deleted; the last of 2 consecutive C bases (chr4:112,412,014-112,412,015); deleting either gives the same sequence. VCF-style (leftmost placement, unchanged base first): chr4-112412013-TC-T. GRCh37 (hg19) VCF-style: chr4-113333169-TC-T.
Other names: c.465del, p.Ser155_Val156insTer (NM_001102406.2); c.231del, p.Ser77_Val78insTer (NM_001253884.2); c.465delC (NM_001102406.1).
Identifiers: ClinVar variation 2182389 (VCV002182389.5), dbSNP rs772484889, ClinGen allele CA3046371.